The following is an entry in ClinVar:

NM_000236.3(LIPC):c.317C>T (p.Ala106Val)

Gene: LIPC (lipase C, hepatic type; plus strand). Cytogenetic location: 15q21.3.
Variant type: single nucleotide variant.
Coding change: c.317C>T on transcript NM_000236.3 (MANE Select); coding-DNA position 317, C replaced by T.
Protein change: p.Ala106Val; replaces alanine 106 with valine.
Molecular consequence: missense variant.
Genome position (GRCh38, 1-based): chr15:58,541,828, C>T. VCF-style: chr15-58541828-C-T. GRCh37 (hg19) VCF-style: chr15-58834027-C-T.
Other names: short protein forms A106V.
Identifiers: ClinVar variation 316658 (VCV000316658.11), dbSNP rs182603751, ClinGen allele CA7584809.

ClinVar aggregate classification (germline): Uncertain significance. Review status: criteria provided, multiple submitters, no conflicts (2 of 4 stars). 3 submissions from 3 submitters: Uncertain significance (3). Last evaluated 2025-10-01.

Conditions:
Hyperlipidemia due to hepatic triglyceride lipase deficiency. Also called: LIPC DEFICIENCY. Identifiers: Orphanet 140905, MedGen C3151466, MONDO:0013533, OMIM 614025.

Allele frequency attached by ClinVar (database versions not stated): gnomAD exomes 0.00008; TOPMed 0.00011; ExAC 0.00012; ESP Exome Variant Server 0.00008; 1000 Genomes Project 30x 0.00016; gnomAD 0.00013 and 0.00014; 1000 Genomes Project 0.00020.
gnomAD v4.1: 164 of 1,613,328 alleles (0.01%); highest among the groups gnomAD compares: Admixed American, 0.015%; no homozygotes.

Submissions (3):

Labcorp Genetics (formerly Invitae), Labcorp
Classification: Uncertain significance. Last evaluated: 2025-10-01. Review status: criteria provided, single submitter. Criteria: Invitae Variant Classification Sherloc (09022015). Collection method: clinical testing. Allele origin: germline.
Comment: This sequence change replaces alanine, which is neutral and non-polar, with valine, which is neutral and non-polar, at codon 106 of the LIPC protein (p.Ala106Val). This variant is present in population databases (rs182603751, gnomAD 0.02%). This missense change has been observed in individual(s) with suspected dyslipidemia (PMID: 36325899). ClinVar contains an entry for this variant (Variation ID: 316658). Invitae Evidence Modeling of protein sequence and biophysical properties (such as structural, functional, and spatial information, amino acid conservation, physicochemical variation, residue mobility, and thermodynamic stability) indicates that this missense variant is not expected to disrupt LIPC protein function with a negative predictive value of 80%. In summary, the available evidence is currently insufficient to determine the role of this variant in disease. Therefore, it has been classified as a Variant of Uncertain Significance.

Dasa
Classification: Uncertain significance. Last evaluated: 2025-07-10. Review status: criteria provided, single submitter. Criteria: DASA Assertion Criteria. Collection method: clinical testing. Allele origin: germline.
Comment: NM_000236.3(LIPC):c.317C>T (p.Ala106Val) is a missense variant that results in the substitution of alanine with valine. This variant is rare in population databases. Computational prediction algorithms are consistent with a deleterious effect. The currently available literature and clinical evidence are not sufficient to establish a definitive association between this variant and the reported condition. Therefore, this variant is classified as a variant of uncertain significance.

Illumina Laboratory Services, Illumina
Classification: Uncertain significance for Hyperlipidemia due to hepatic triglyceride lipase deficiency. Last evaluated: 2018-01-13. Review status: criteria provided, single submitter. Criteria: ICSL Variant Classification Criteria 13 December 2019. Collection method: clinical testing. Allele origin: germline.

Literature cited by the submitters: PubMed 36325899 (cited by Labcorp Genetics (formerly Invitae), Labcorp).